The following is an entry in ClinVar:

ClinVar aggregate classification (germline): Uncertain significance (1 of 4 stars; one submission).

Conditions:
Hereditary cancer-predisposing syndrome. Also called: Tumor predisposition; Hereditary Cancer Syndrome; Neoplastic Syndromes, Hereditary; Hereditary neoplastic syndrome. Identifiers: Orphanet 140162, MedGen C0027672, MeSH D009386, MONDO:0015356.

Submission:

Molecular Diagnostics Laboratory, Catalan Institute of Oncology
Classification: Uncertain significance for Hereditary cancer-predisposing syndrome. Last evaluated: 2024-10-02. Review status: criteria provided, single submitter. Criteria: ClinGen ACMG Specifications PALB2 V1.0.0. Collection method: clinical testing. Allele origin: germline.
Comment: PM2_Supporting, BP4 PALB2 c.1684+5A>G is an intronic variant located close to a canonical splice site. It is not present in the population database gnomAD v2.1.1, non cancer dataset (PM2_supporting). The SpliceAI algorithm predicts no significant impact on splicing (BP4). To our knowledge, neither relevant clinical data nor well-stablished functional studies have been reported for this variant. Also, the variant has not been reported neither in ClinVar nor in LOVD databases. Based on currently available information, the variantc.1684+5A>G should be considered a an uncertain significance variant according to ClinGen-PALB2 Guidelines version 1.0.0.

NM_024675.4(PALB2):c.1684+5A>G

Gene: PALB2 (partner and localizer of BRCA2; minus strand). Cytogenetic location: 16p12.2.
Variant type: single nucleotide variant.
Coding change: c.1684+5A>G on transcript NM_024675.4 (MANE Select); 5 bases into the intron after coding-DNA position 1684, A replaced by G.
Molecular consequence: intron variant.
Genome position (GRCh38, 1-based): chr16:23,634,857, T>C on the plus strand (A>G on the coding strand, the complement: PALB2 is on the minus strand). VCF-style: chr16-23634857-T-C. GRCh37 (hg19) VCF-style: chr16-23646178-T-C.
Other names: c.799+5A>G (NM_001407308.1, NM_001407306.1, NM_001407309.1 and 5 more transcripts); c.49-5582A>G (NM_001407314.1); c.-104-4388A>G (NM_001407313.1, NM_001407312.1); c.1624+5A>G (NM_001407296.1); c.1684+5A>G (NM_001407297.1, NM_001407302.1, NM_001407298.1 and 3 more transcripts).
Identifiers: ClinVar variation 3774412 (VCV003774412.1).